The following is an entry in ClinVar:

NM_024928.5(STN1):c.217T>C (p.Tyr73His)

Gene: STN1 (STN1 subunit of CST complex; minus strand). Cytogenetic location: 10q24.33.
Variant type: single nucleotide variant.
Coding change: c.217T>C on transcript NM_024928.5 (MANE Select); coding-DNA position 217, T replaced by C.
Protein change: p.Tyr73His; replaces tyrosine 73 with histidine.
Molecular consequence: missense variant.
Genome position (GRCh38, 1-based): chr10:103,910,539, A>G on the plus strand (T>C on the coding strand, the complement: STN1 is on the minus strand). VCF-style: chr10-103910539-A-G. GRCh37 (hg19) VCF-style: chr10-105670297-A-G.
Other names: short protein forms Y73H.
Identifiers: ClinVar variation 1491581 (VCV001491581.6), dbSNP rs1180481464, ClinGen allele CA378049508.

ClinVar aggregate classification (germline): Uncertain significance (1 of 4 stars; one submission).

Allele frequency attached by ClinVar (database versions not stated): gnomAD exomes below 0.00001.
gnomAD v4.1: 1 of 1,600,512 alleles (0.000062%); highest among the groups gnomAD compares: Admixed American, 0.0017%; no homozygotes.

Submission:

Labcorp Genetics (formerly Invitae), Labcorp
Classification: Uncertain significance. Last evaluated: 2023-08-30. Review status: criteria provided, single submitter. Criteria: Invitae Variant Classification Sherloc (09022015). Collection method: clinical testing. Allele origin: germline.
Comment: This sequence change replaces tyrosine, which is neutral and polar, with histidine, which is basic and polar, at codon 73 of the STN1 protein (p.Tyr73His). This variant is not present in population databases (gnomAD no frequency). This variant has not been reported in the literature in individuals affected with STN1-related conditions. ClinVar contains an entry for this variant (Variation ID: 1491581). Advanced modeling of protein sequence and biophysical properties (such as structural, functional, and spatial information, amino acid conservation, physicochemical variation, residue mobility, and thermodynamic stability) performed at Invitae indicates that this missense variant is not expected to disrupt STN1 protein function. In summary, the available evidence is currently insufficient to determine the role of this variant in disease. Therefore, it has been classified as a Variant of Uncertain Significance.